The following is an entry in ClinVar:

ClinVar aggregate classification (germline): Likely benign. Review status: criteria provided, multiple submitters, no conflicts (2 of 4 stars). 4 submissions from 4 submitters: Likely benign (3). 1 of the submissions does not count toward it. Last evaluated 2026-06-09.

Conditions:
MYH6-related disorder. Also called: MYH6-Related Disorders; MYH6-related condition.
Cardiovascular phenotype. Identifiers: MedGen CN230736.
Hypertrophic cardiomyopathy 14. Identifiers: MedGen C2750467, MONDO:0013197, OMIM 613251.

Allele frequency attached by ClinVar (database versions not stated): ExAC 0.00001; gnomAD exomes 0.00002 and 0.00001; TOPMed 0.00001.
gnomAD v4.1: 5 of 1,614,030 alleles (0.00031%); highest among the groups gnomAD compares: Admixed American, 0.0083%; no homozygotes.

Submissions (4):

Ambry Genetics
Classification: Likely benign for Cardiovascular phenotype. Last evaluated: 2026-06-09. Review status: criteria provided, single submitter. Criteria: Ambry Variant Classification Scheme 2023. Collection method: clinical testing. Allele origin: germline.

Labcorp Genetics (formerly Invitae), Labcorp
Classification: Likely benign for Hypertrophic cardiomyopathy 14. Last evaluated: 2026-01-08. Review status: criteria provided, single submitter. Criteria: Invitae Variant Classification Sherloc (09022015). Collection method: clinical testing. Allele origin: germline.

Women's Health and Genetics/Laboratory Corporation of America, LabCorp
Classification: Likely benign. Last evaluated: 2024-06-17. Review status: criteria provided, single submitter. Criteria: LabCorp Variant Classification Summary - May 2015. Collection method: clinical testing. Allele origin: germline.

PreventionGenetics, part of Exact Sciences
Classification: Likely benign for MYH6-related condition. Last evaluated: 2019-05-03. Review status: no assertion criteria provided. Collection method: clinical testing. Allele origin: germline. Not counted in ClinVar's aggregate classification.
Comment: This variant is classified as likely benign based on ACMG/AMP sequence variant interpretation guidelines (Richards et al. 2015 PMID: 25741868, with internal and published modifications).

NM_002471.4(MYH6):c.2271G>A (p.Gln757=)

Gene: MYH6 (myosin heavy chain 6; minus strand). Cytogenetic location: 14q11.2.
Variant type: single nucleotide variant.
Coding change: c.2271G>A on transcript NM_002471.4 (MANE Select); coding-DNA position 2271, G replaced by A.
Protein change: p.Gln757=; no amino-acid change (glutamine 757 retained).
Molecular consequence: synonymous variant.
Genome position (GRCh38, 1-based): chr14:23,396,715, C>T on the plus strand (G>A on the coding strand, the complement: MYH6 is on the minus strand). VCF-style: chr14-23396715-C-T. GRCh37 (hg19) VCF-style: chr14-23865924-C-T.
Identifiers: ClinVar variation 1562102 (VCV001562102.14), dbSNP rs777100730, ClinGen allele CA7115539.